The following is an entry in ClinVar:

NM_000329.3(RPE65):c.1002del (p.Phe334fs)

Gene: RPE65 (retinoid isomerohydrolase RPE65; minus strand). Cytogenetic location: 1p31.3.
Variant type: Deletion.
Coding change: c.1002del on transcript NM_000329.3 (MANE Select); coding-DNA position 1002, one base deleted (T; older notation c.1002delT).
Protein change: p.Phe334fs; shifts the reading frame from phenylalanine 334.
Molecular consequence: frameshift variant.
Genome position (GRCh38, 1-based): chr1:68,438,313, A deleted on the plus strand (T on the coding strand, the reverse complement: RPE65 is on the minus strand); the first of 3 consecutive A bases (chr1:68,438,313-68,438,315); deleting any one gives the same sequence. VCF-style (leftmost placement, unchanged base first): chr1-68438312-CA-C. GRCh37 (hg19) VCF-style: chr1-68903995-CA-C.
Other names: c.894del, p.Phe298fs (NM_001406853.1); c.726del, p.Phe242fs (NM_001406856.1, NM_001406857.1); c.1002del, p.Phe334fs (NM_001406859.1); short protein forms F242fs, F298fs, F334fs.
Identifiers: ClinVar variation 2945097 (VCV002945097.4), dbSNP rs2523423116, ClinGen allele CA2740090764.
Genomic context (GRCh38, chr1:68,438,312, plus strand): 5'-TTTTCACCTCTTCCCAGTTCTCACGTAAATTGGCTAAATATAAGTAATTATAAACAAACT[CA>C]AATCTGCAAAAATAAAAAGTCAAACATGAGCACAGGCAATGACAAATAATTTTAGAGAGA-3'

ClinVar aggregate classification (germline): Pathogenic/Likely pathogenic. Review status: criteria provided, multiple submitters, no conflicts (2 of 4 stars). 2 submissions from 2 submitters: Pathogenic (1); Likely pathogenic (1). Last evaluated 2023-10-15.

Conditions:
RPE65-related disorder. Also called: RPE65-related disorders; RPE65-related condition. Identifiers: MedGen CN239301.
Retinitis pigmentosa 20 (RP20). Identifiers: Orphanet 791, MedGen C3151086, MONDO:0013425, OMIM 613794.
Leber congenital amaurosis 2 (LCA2). Also called: AMAUROSIS CONGENITA OF LEBER II; Autosomal Recessive RPE65-Related Retinal Degeneration. Identifiers: Orphanet 65, MedGen C1859844, MONDO:0008765, OMIM 204100. Disease mechanism: loss of function.

Submissions (2):

Labcorp Genetics (formerly Invitae), Labcorp
Classification: Pathogenic for Leber congenital amaurosis 2; Retinitis pigmentosa 20. Last evaluated: 2023-10-15. Review status: criteria provided, single submitter. Criteria: Invitae Variant Classification Sherloc (09022015). Collection method: clinical testing. Allele origin: germline.
Comment: This sequence change creates a premature translational stop signal (p.Phe334Leufs*10) in the RPE65 gene. It is expected to result in an absent or disrupted protein product. Loss-of-function variants in RPE65 are known to be pathogenic (PMID: 9326941, 9501220, 9843205, 18632300). This variant is not present in population databases (gnomAD no frequency). This variant has not been reported in the literature in individuals affected with RPE65-related conditions. For these reasons, this variant has been classified as Pathogenic.

Blueprint Genetics
Classification: Likely pathogenic for RPE65-related disorders. Last evaluated: 2022-10-25. Review status: criteria provided, single submitter. Criteria: ACMG Guidelines, 2015. Collection method: clinical testing. Allele origin: germline. Affected: yes. Observed: 1 variant allele.

Literature cited by the submitters: PubMed 9326941 (cited by Labcorp Genetics (formerly Invitae), Labcorp); PubMed 9501220 (cited by Labcorp Genetics (formerly Invitae), Labcorp); PubMed 9843205 (cited by Labcorp Genetics (formerly Invitae), Labcorp); PubMed 18632300 (cited by Labcorp Genetics (formerly Invitae), Labcorp).